The following is an entry in ClinVar:

NM_000535.7(PMS2):c.842G>A (p.Gly281Glu)

Gene: PMS2 (PMS1 homolog 2, mismatch repair system component; minus strand). Cytogenetic location: 7p22.1.
Variant type: single nucleotide variant.
Coding change: c.842G>A on transcript NM_000535.7 (MANE Select); coding-DNA position 842, G replaced by A.
Protein change: p.Gly281Glu; replaces glycine 281 with glutamic acid.
Molecular consequence: missense variant. On other transcripts: 5 prime UTR variant (2), non-coding transcript variant (1).
Genome position (GRCh38, 1-based): chr7:5,995,595, C>T on the plus strand (G>A on the coding strand, the complement: PMS2 is on the minus strand). VCF-style: chr7-5995595-C-T. GRCh37 (hg19) VCF-style: chr7-6035226-C-T.
Other names: c.842G>A (NM_000535.5, NM_000535.6); c.437G>A, p.Gly146Glu (NM_001322003.2, NM_001322004.2, NM_001322005.2 and 2 more transcripts); c.842G>A, p.Gly281Glu (NM_001322006.2, NM_001322014.2); c.524G>A, p.Gly175Glu (NM_001322007.2, NM_001322008.2); c.-92G>A (NM_001322011.2, NM_001322012.2); c.269G>A, p.Gly90Glu (NM_001322013.2); c.533G>A, p.Gly178Glu (NM_001322015.2); short protein forms G146E, G281E, G90E, G175E, G178E.
Identifiers: ClinVar variation 1498789 (VCV001498789.10), dbSNP rs2128775853, ClinGen allele CA366743509.
Genomic context (GRCh38, chr7:5,995,595, plus strand): 5'-TTTGCTGGGTCACAAGGCCGCCGGTTGATAAAGAAAAACTGTCTGTCTGTTGAACTCCTT[C>T]CAACTCCATGCGTGCATTGTGAAATGAAACCTGAGATGCTATTCAACATTAATATGGTAA-3'
Protein context (NP_000526.2, residues 271-291): GFISQCTHGV[Gly281Glu]RSSTDRQFFF

ClinVar aggregate classification (germline): Uncertain significance. Review status: criteria provided, multiple submitters, no conflicts (2 of 4 stars). 3 submissions from 3 submitters: Uncertain significance (3). Last evaluated 2025-12-21.

Conditions:
Hereditary cancer-predisposing syndrome. Also called: Tumor predisposition; Hereditary neoplastic syndrome; Neoplastic Syndromes, Hereditary; Hereditary Cancer Syndrome. Identifiers: Orphanet 140162, MedGen C0027672, MeSH D009386, MONDO:0015356.
Hereditary nonpolyposis colorectal neoplasms. Identifiers: MedGen C0009405, MeSH D003123.

Allele frequency attached by ClinVar (database versions not stated): gnomAD exomes below 0.00001.
gnomAD v4.1: 2 of 1,613,904 alleles (0.00012%); highest among the groups gnomAD compares: Admixed American, 0.0017%; no homozygotes.

Submissions (3):

Labcorp Genetics (formerly Invitae), Labcorp
Classification: Uncertain significance for Hereditary nonpolyposis colorectal neoplasms. Last evaluated: 2025-12-21. Review status: criteria provided, single submitter. Criteria: Invitae Variant Classification Sherloc (09022015). Collection method: clinical testing. Allele origin: germline.
Comment: This sequence change replaces glycine, which is neutral and non-polar, with glutamic acid, which is acidic and polar, at codon 281 of the PMS2 protein (p.Gly281Glu). This variant is not present in population databases (gnomAD no frequency). This variant has not been reported in the literature in individuals affected with PMS2-related conditions. ClinVar contains an entry for this variant (Variation ID: 1498789). Invitae Evidence Modeling incorporating data from in vitro experimental studies (internal data) indicates that this missense variant is not expected to disrupt PMS2 function with a negative predictive value of 95%. In summary, the available evidence is currently insufficient to determine the role of this variant in disease. Therefore, it has been classified as a Variant of Uncertain Significance.

Quest Diagnostics Nichols Institute San Juan Capistrano
Classification: Uncertain significance. Last evaluated: 2025-10-08. Review status: criteria provided, single submitter. Criteria: Quest Diagnostics criteria. Collection method: clinical testing. Allele origin: unknown.
Comment: The PMS2 c.842G>A (p.Gly281Glu) variant has not been reported in individuals with PMS2-related conditions in the published literature. This variant has not been reported in large, multi-ethnic general populations (Genome Aggregation Database). Analysis of this variant using bioinformatics tools for the prediction of the effect of amino acid changes on protein structure and function yielded predictions that this variant is damaging. Based on the available information, we are unable to determine the clinical significance of this variant.

Ambry Genetics
Classification: Uncertain significance for Hereditary cancer-predisposing syndrome. Last evaluated: 2023-04-27. Review status: criteria provided, single submitter. Criteria: Ambry Variant Classification Scheme 2023. Collection method: clinical testing. Allele origin: germline.
Comment: The p.G281E variant (also known as c.842G>A), located in coding exon 8 of the PMS2 gene, results from a G to A substitution at nucleotide position 842. The glycine at codon 281 is replaced by glutamic acid, an amino acid with similar properties. This amino acid position is highly conserved in available vertebrate species. In addition, this alteration is predicted to be deleterious by in silico analysis. Since supporting evidence is limited at this time, the clinical significance of this alteration remains unclear.